The following is an entry in ClinVar:

NC_000009.11:g.(?_101569981)_(101611374_?)del

Gene: GALNT12 (polypeptide N-acetylgalactosaminyltransferase 12; plus strand). Cytogenetic location: 9q22.33.
Variant type: Deletion.
Identifiers: ClinVar variation 2426849 (VCV002426849.3).

ClinVar aggregate classification (germline): Uncertain significance (1 of 4 stars; one submission).

Submission:

Labcorp Genetics (formerly Invitae), Labcorp
Classification: Uncertain significance. Last evaluated: 2022-10-16. Review status: criteria provided, single submitter. Criteria: Invitae Variant Classification Sherloc (09022015). Collection method: clinical testing. Allele origin: germline.
Comment: A gross deletion of the genomic region encompassing the full coding sequence of the GALNT12 gene has been identified. The current clinical and genetic evidence is not sufficient to establish whether loss-of-function variants in GALNT12 cause disease. The boundaries of this event are unknown as they extend beyond the assayed region for this gene and therefore may encompass additional genes. This variant has not been reported in the literature in individuals affected with GALNT12-related conditions. In summary, the available evidence is currently insufficient to determine the role of this variant in disease. Therefore, it has been classified as a Variant of Uncertain Significance.